The following is an entry in ClinVar:

ClinVar aggregate classification (germline): Uncertain significance (1 of 4 stars; one submission).

Conditions:
KMT2D-related disorder. Also called: KMT2D-Related Disorders.

Submission:

PreventionGenetics, part of Exact Sciences
Classification: Uncertain significance for KMT2D-related condition. Last evaluated: 2025-11-10. Review status: criteria provided, single submitter. Criteria: ACMG Guidelines, 2015. Collection method: clinical testing. Allele origin: germline.
Comment: The KMT2D c.2212_2238del27 variant is predicted to result in an in-frame deletion (p.Ser738_Arg746del). To our knowledge, this variant has not been reported in the literature. This variant is reported in 0 out of ~244,000 alleles in gnomAD. At this time, the clinical significance of this variant is uncertain due to the absence of conclusive functional and genetic evidence.

NM_003482.4(KMT2D):c.2212_2238del (p.Ser738_Arg746del)

Gene: KMT2D (lysine methyltransferase 2D; minus strand). Cytogenetic location: 12q13.12.
Variant type: Deletion.
Coding change: c.2212_2238del on transcript NM_003482.4 (MANE Select); coding-DNA positions 2212 to 2238, 27 bases deleted (TCCGAGGGGCCGCACCTGTCACCCCGG).
Protein change: p.Ser738_Arg746del.
Molecular consequence: inframe deletion. On other transcripts: inframe indel (1).
Genome position (GRCh38, 1-based): chr12:49,051,445-49,051,471, CCGGGGTGACAGGTGCGGCCCCTCGGA deleted on the plus strand (TCCGAGGGGCCGCACCTGTCACCCCGG on the coding strand, the reverse complement: KMT2D is on the minus strand); deleting any 27 consecutive bases within chr12:49,051,445-49,051,477 gives the same sequence; the c. name uses the placement nearest the transcript's 3' end. VCF-style (leftmost placement, unchanged base first): chr12-49051444-GCCGGGGTGACAGGTGCGGCCCCTCGGA-G. GRCh37 (hg19) VCF-style: chr12-49445227-GCCGGGGTGACAGGTGCGGCCCCTCGGA-G.
Other names: c.2212_2238del27 (NM_003482.3).
Identifiers: ClinVar variation 4995089 (VCV004995089.1).